The following is an entry in ClinVar:

ClinVar aggregate classification (germline): Uncertain significance (1 of 4 stars; one submission).

Submission:

Mayo Clinic Laboratories, Mayo Clinic
Classification: Uncertain significance. Last evaluated: 2025-07-01. Review status: criteria provided, single submitter. Criteria: ACMG Guidelines, 2015. Collection method: clinical testing. Allele origin: germline. Observed: 1 variant allele.
Comment: BP4_moderate, PM2_supporting

NM_001370466.1(NOD2):c.1758C>A (p.Phe586Leu)

Gene: NOD2 (nucleotide binding oligomerization domain containing 2; plus strand). Cytogenetic location: 16q12.1.
Variant type: single nucleotide variant.
Coding change: c.1758C>A on transcript NM_001370466.1 (MANE Select); coding-DNA position 1758, C replaced by A.
Protein change: p.Phe586Leu; replaces phenylalanine 586 with leucine.
Molecular consequence: missense variant. On other transcripts: non-coding transcript variant (1).
Genome position (GRCh38, 1-based): chr16:50,711,750, C>A. VCF-style: chr16-50711750-C-A. GRCh37 (hg19) VCF-style: chr16-50745661-C-A.
Other names: p.Phe613Leu; c.1758C>A, p.Phe586Leu (NM_001293557.2); c.1839C>A, p.Phe613Leu (NM_022162.3); short protein forms F586L, F613L.
Identifiers: ClinVar variation 4542030 (VCV004542030.1).